The following is an entry in ClinVar:

ClinVar aggregate classification (germline): Pathogenic (1 of 4 stars; one submission).

Conditions:
Gorlin syndrome. Also called: Basal cell nevus syndrome; Nevoid Basal Cell Carcinoma Syndrome. Identifiers: Orphanet 377, MedGen C0004779, MONDO:0007187.

Submission:

Labcorp Genetics (formerly Invitae), Labcorp
Classification: Pathogenic for Gorlin syndrome. Last evaluated: 2023-05-03. Review status: criteria provided, single submitter. Criteria: Invitae Variant Classification Sherloc (09022015). Collection method: clinical testing. Allele origin: germline.
Comment: For these reasons, this variant has been classified as Pathogenic. This variant has not been reported in the literature in individuals affected with PTCH1-related conditions. This variant is not present in population databases (gnomAD no frequency). This sequence change creates a premature translational stop signal (p.Leu487Serfs*14) in the PTCH1 gene. It is expected to result in an absent or disrupted protein product. Loss-of-function variants in PTCH1 are known to be pathogenic (PMID: 16301862, 16419085).

Literature cited by the submitters: PubMed 16301862; PubMed 16419085.

NM_000264.5(PTCH1):c.1459_1499del (p.Leu487fs)

Gene: PTCH1 (patched 1; minus strand). Cytogenetic location: 9q22.32.
Variant type: Deletion.
Coding change: c.1459_1499del on transcript NM_000264.5 (MANE Select); coding-DNA positions 1459 to 1499, 41 bases deleted.
Protein change: p.Leu487fs; shifts the reading frame from leucine 487.
Molecular consequence: frameshift variant. On other transcripts: non-coding transcript variant (1), intron variant (1).
Genome position (GRCh38, 1-based): chr9:95,477,551-95,477,591, 41 bases deleted; deleting any 41 consecutive bases within chr9:95,477,551-95,477,592 gives the same sequence; the c. name uses the placement nearest the transcript's 3' end. GRCh37 (hg19): chr9:98,239,834-98,239,874.
Other names: c.1261_1301del, p.Leu421fs (NM_001083602.3); c.1456_1496del, p.Leu486fs (NM_001083603.3); c.1006_1046del, p.Leu336fs (NM_001083604.3, NM_001083605.3, NM_001083606.3 and 1 more transcripts); c.1347+464_1347+504del (NM_001354918.2); short protein forms L487fs, L336fs, L421fs, L486fs.
Identifiers: ClinVar variation 2861496 (VCV002861496.3), dbSNP rs2538204585, ClinGen allele CA2739264780.